The following is an entry in ClinVar:

NM_000018.4(ACADVL):c.215C>T (p.Ser72Phe)

Gene: ACADVL (acyl-CoA dehydrogenase very long chain; plus strand). Cytogenetic location: 17p13.1.
Variant type: single nucleotide variant.
Coding change: c.215C>T on transcript NM_000018.4 (MANE Select); coding-DNA position 215, C replaced by T.
Protein change: p.Ser72Phe; replaces serine 72 with phenylalanine.
Molecular consequence: missense variant. On other transcripts: 5 prime UTR variant (1).
Genome position (GRCh38, 1-based): chr17:7,220,614, C>T. VCF-style: chr17-7220614-C-T. GRCh37 (hg19) VCF-style: chr17-7123933-C-T.
Other names: p.Ser72Phe; c.149C>T, p.Ser50Phe (NM_001033859.3); c.284C>T, p.Ser95Phe (NM_001270447.2); c.-14C>T (NM_001270448.2); short protein forms S95F, S72F, S50F.
Identifiers: ClinVar variation 932742 (VCV000932742.17), dbSNP rs1161495077, ClinGen allele CA397722348.

ClinVar aggregate classification (germline): Conflicting classifications of pathogenicity. Review status: criteria provided, conflicting classifications (1 of 4 stars). 7 submissions from 7 submitters: Likely pathogenic (3); Uncertain significance (4). Last evaluated 2026-06-18.

Conditions:
ACADVL-related disorder. Also called: ACADVL-related condition.
Very long chain acyl-CoA dehydrogenase deficiency (ACADVLD). Also called: VLCAD Deficiency; Very Long-Chain Acyl-Coenzyme A Dehydrogenase Deficiency. Identifiers: Orphanet 26793, MedGen C3887523, MONDO:0008723, OMIM 201475.

Allele frequency attached by ClinVar (database versions not stated): gnomAD exomes below 0.00001; TOPMed 0.00001.
gnomAD v4.1: 2 of 1,614,204 alleles (0.00012%); highest among the groups gnomAD compares: Non-Finnish European, 0.000085%; no homozygotes.

Submissions (7):

Myriad Genetics, Inc.
Classification: Uncertain significance for Very long chain acyl-CoA dehydrogenase deficiency. Last evaluated: 2026-06-18. Review status: criteria provided, single submitter. Criteria: Myriad Autosomal Dominant, Autosomal Recessive and X-Linked Classification Criteria (2023). Collection method: clinical testing. Allele origin: unknown.
Comment: NM_000018.3(ACADVL):c.215C>T(S72F) is a missense variant classified as a variant of uncertain significance in the context of very-long-chain acyl-CoA dehydrogenase deficiency. S72F has been observed in cases with relevant disease (PMID: 24801231, Dinatolo_2026_(Article)). Relevant functional assessments of this variant are not available in the literature. S72F has been observed in referenced population frequency databases. In summary, there is insufficient evidence to classify NM_000018.3(ACADVL):c.215C>T(S72F) as pathogenic or benign. Please note: this variant was assessed in the context of healthy population screening.

Women's Health and Genetics/Laboratory Corporation of America, LabCorp
Classification: Likely pathogenic for Very long chain acyl-CoA dehydrogenase deficiency. Last evaluated: 2025-09-22. Review status: criteria provided, single submitter. Criteria: LabCorp Variant Classification Summary - May 2015. Collection method: clinical testing. Allele origin: germline.
Comment: Variant summary: ACADVL c.215C>T (p.Ser72Phe) results in a non-conservative amino acid change in the encoded protein sequence. Algorithms developed to predict the effect of missense changes on protein structure and function all suggest that this variant is likely to be disruptive. The variant allele was found at a frequency of 4e-06 in 251468 control chromosomes. The available data on variant occurrences in the general population are insufficient to allow any conclusion about variant significance. c.215C>T has been observed in at least 2 families in the compound heterozygous state, with individuals affected with Very Long Chain Acyl-CoA Dehydrogenase Deficiency (e.g. Zhang_2014, ClinVar external data). These data do not allow any conclusion about variant significance. To our knowledge, no experimental evidence demonstrating an impact on protein function has been reported. The following publication has been ascertained in the context of this evaluation (PMID: 24801231). ClinVar contains an entry for this variant (Variation ID: 932742). Based on the evidence outlined above, the variant was classified as likely pathogenic.

PreventionGenetics, part of Exact Sciences
Classification: Uncertain significance for ACADVL-related condition. Last evaluated: 2024-11-04. Review status: criteria provided, single submitter. Criteria: ACMG Guidelines, 2015. Collection method: clinical testing. Allele origin: germline.
Comment: The ACADVL c.215C>T variant is predicted to result in the amino acid substitution p.Ser72Phe. This variant has been reported, along with a pathogenic ACADVL variant, in an individual with biochemical and clinical features consistent with very long chain acyl-CoA dehydrogenase deficiency (VLCADD, Zhang et al. 2014. PubMed ID: 24801231). This variant is reported in one individual, 0.00088% of alleles, of European (non-Finnish) descent in gnomAD. Although we suspect this variant may be pathogenic, at this time, the clinical significance of this variant is uncertain due to the absence of conclusive functional and genetic evidence.

Labcorp Genetics (formerly Invitae), Labcorp
Classification: Likely pathogenic for Very long chain acyl-CoA dehydrogenase deficiency. Last evaluated: 2023-05-22. Review status: criteria provided, single submitter. Criteria: Invitae Variant Classification Sherloc (09022015). Collection method: clinical testing. Allele origin: germline.
Comment: This missense change has been observed in individual(s) with very long-chain acyl-CoA dehydrogenase deficiency (PMID: 24801231). In summary, the currently available evidence indicates that the variant is pathogenic, but additional data are needed to prove that conclusively. Therefore, this variant has been classified as Likely Pathogenic. Advanced modeling of protein sequence and biophysical properties (such as structural, functional, and spatial information, amino acid conservation, physicochemical variation, residue mobility, and thermodynamic stability) performed at Invitae indicates that this missense variant is expected to disrupt ACADVL protein function. ClinVar contains an entry for this variant (Variation ID: 932742). This variant is present in population databases (no rsID available, gnomAD 0.0009%). This sequence change replaces serine, which is neutral and polar, with phenylalanine, which is neutral and non-polar, at codon 72 of the ACADVL protein (p.Ser72Phe).

Medical Genetics UMG, Mater Domini University Hospital/ Magna Graecia University of Catanzaro
Classification: Likely pathogenic for Very long chain acyl-CoA dehydrogenase deficiency. Last evaluated: 2023-04-03. Review status: criteria provided, single submitter. Criteria: ('ClinGen ACADVL Expert Panel Specifications to the ACMG/AMP Variant Interpretation Guidelines Version 1. Collection method: clinical testing. Allele origin: germline. Inheritance: Autosomal recessive inheritance. Affected: yes. Observed: 2 variant alleles, 2 compound heterozygotes.
Comment: The c.215C>T (p.Ser72Phe) variant is a missense variant deleterious for prediction algorithms (REVEL score = 0.9409). This variant has a frequency of 0.000003977 in gnomAD database. This variant has been reported associated with VLCAD deficiency in a published study (PMID: 24801231)

Fulgent Genetics
Classification: Uncertain significance for Very long chain acyl-CoA dehydrogenase deficiency. Last evaluated: 2022-04-23. Review status: criteria provided, single submitter. Criteria: ACMG Guidelines, 2015. Collection method: clinical testing. Allele origin: unknown.

Wong Mito Lab, Molecular and Human Genetics, Baylor College of Medicine
Classification: Uncertain significance for Very long chain acyl-CoA dehydrogenase deficiency. Last evaluated: 2019-11-01. Review status: criteria provided, single submitter. Criteria: ACMG Guidelines, 2015. Collection method: clinical testing. Allele origin: germline.
Comment: The NM_000018.3:c.215C>T (NP_000009.1:p.Ser72Phe) [GRCH38: NC_000017.11:g.7220614C>T] variant in ACADVL gene is interpretated to be Uncertain Significance based on ACMG guidelines (PMID: 25741868). This variant has been reported. This variant dose not meet any evidence codes reported in the ACMG guidelines.

Literature cited by the submitters: PubMed 24801231 (cited by 3 submitters).